The following is an entry in ClinVar:

NM_030665.4(RAI1):c.4091A>C (p.Lys1364Thr)

Gene: RAI1 (retinoic acid induced 1; plus strand). Cytogenetic location: 17p11.2.
Variant type: single nucleotide variant.
Coding change: c.4091A>C on transcript NM_030665.4 (MANE Select); coding-DNA position 4091, A replaced by C.
Protein change: p.Lys1364Thr; replaces lysine 1364 with threonine.
Molecular consequence: missense variant.
Genome position (GRCh38, 1-based): chr17:17,797,039, A>C. VCF-style: chr17-17797039-A-C. GRCh37 (hg19) VCF-style: chr17-17700353-A-C.
Other names: short protein forms K1364T.
Identifiers: ClinVar variation 4055930 (VCV004055930.1).

ClinVar aggregate classification (germline): Uncertain significance (1 of 4 stars; one submission).

Submission:

GeneDx
Classification: Uncertain significance. Last evaluated: 2025-01-02. Review status: criteria provided, single submitter. Criteria: GeneDx Variant Classification Process June 2021. Collection method: clinical testing. Allele origin: germline. Affected: yes.
Comment: Not observed at significant frequency in large population cohorts (gnomAD); In silico analysis indicates that this missense variant does not alter protein structure/function; Has not been previously published as pathogenic or benign to our knowledge